The following is an entry in ClinVar:

NM_001267550.2(TTN):c.40963G>A (p.Glu13655Lys)

Gene: TTN (titin; minus strand). Cytogenetic location: 2q31.2.
Variant type: single nucleotide variant.
Coding change: c.40963G>A on transcript NM_001267550.2 (MANE Select); coding-DNA position 40963, G replaced by A.
Protein change: p.Glu13655Lys; replaces glutamic acid 13655 with lysine.
Molecular consequence: missense variant.
Genome position (GRCh38, 1-based): chr2:178,636,764, C>T on the plus strand (G>A on the coding strand, the complement: TTN is on the minus strand). VCF-style: chr2-178636764-C-T. GRCh37 (hg19) VCF-style: chr2-179501491-C-T.
Other names: p.E12014K:GAA>AAA; c.40963G>A (NM_001267550.1); c.36040G>A, p.Glu12014Lys (NM_001256850.1); c.13768G>A, p.Glu4590Lys (NM_003319.4); c.33259G>A, p.Glu11087Lys (NM_133378.4); c.14143G>A, p.Glu4715Lys (NM_133432.3); c.14344G>A, p.Glu4782Lys (NM_133437.4); short protein forms E12014K, E13655K, E11087K, E4782K, E4590K, E4715K.
Identifiers: ClinVar variation 202614 (VCV000202614.6), dbSNP rs727504198, ClinGen allele CA309758.

ClinVar aggregate classification (germline): Uncertain significance. Review status: criteria provided, multiple submitters, no conflicts (2 of 4 stars). 3 submissions from 3 submitters: Uncertain significance (3). Last evaluated 2025-03-18.

Conditions:
Cardiovascular phenotype. Identifiers: MedGen CN230736.
Myopathy, myofibrillar, 9, with early respiratory failure (MFM9). Also called: EDSTROM MYOPATHY; MYOPATHY, PROXIMAL, WITH EARLY RESPIRATORY MUSCLE INVOLVEMENT; Myopathy, distal, with early respiratory failure, autosomal dominant; Hereditary myopathy with early respiratory failure. Identifiers: Orphanet 178464, Orphanet 34521, MedGen C1863599, MONDO:0011362, OMIM 603689.
Early-onset myopathy with fatal cardiomyopathy (CMYO5). Also called: CONGENITAL MYOPATHY 5 WITH CARDIOMYOPATHY; Salih Myopathy. Identifiers: Orphanet 289377, MedGen C2673677, MONDO:0012714, OMIM 611705. Disease mechanism: loss of function.
Hypertrophic cardiomyopathy 9. Also called: Familial hypertrophic cardiomyopathy 9. Identifiers: MedGen C1861065, MONDO:0013412, OMIM 613765.
Dilated cardiomyopathy 1G (CMD1G). Identifiers: Orphanet 154, MedGen C1858763, MONDO:0011400, OMIM 604145.
Tibial muscular dystrophy (TMD). Also called: UDD MYOPATHY; Tibial muscular dystrophy, tardive; Udd Distal Myopathy – Tibial Muscular Dystrophy. Identifiers: Orphanet 609, MedGen C1838244, MONDO:0010870, OMIM 600334.
Autosomal recessive limb-girdle muscular dystrophy type 2J (LGMDR10). Also called: MUSCULAR DYSTROPHY, LIMB-GIRDLE, AUTOSOMAL RECESSIVE 10; Limb-girdle muscular dystrophy, type 2J. Identifiers: Orphanet 140922, MedGen C1837342, MONDO:0012127, OMIM 608807.

Allele frequency attached by ClinVar (database versions not stated): TOPMed 0.00001.
gnomAD v4.1: 15 of 1,606,182 alleles (0.00093%); highest among the groups gnomAD compares: African/African-American, 0.004%; 1 homozygote.

Submissions (3):

GeneDx
Classification: Uncertain significance. Last evaluated: 2025-03-18. Review status: criteria provided, single submitter. Criteria: GeneDx Variant Classification Process June 2021. Collection method: clinical testing. Allele origin: germline. Affected: yes.
Comment: Not observed at significant frequency in large population cohorts (gnomAD); Missense variant in a gene in which most reported pathogenic variants are truncating/loss of function; Observed in an individual with cardiomyopathy in published literature (PMID: 30847666); This variant is associated with the following publications: (PMID: 30847666)

Fulgent Genetics
Classification: Uncertain significance for Tibial muscular dystrophy; Myopathy, myofibrillar, 9, with early respiratory failure; Dilated cardiomyopathy 1G; Autosomal recessive limb-girdle muscular dystrophy type 2J; Early-onset myopathy with fatal cardiomyopathy; Hypertrophic cardiomyopathy 9. Last evaluated: 2021-11-14. Review status: criteria provided, single submitter. Criteria: ACMG Guidelines, 2015. Collection method: clinical testing. Allele origin: unknown.

Ambry Genetics
Classification: Uncertain significance for Cardiovascular phenotype. Last evaluated: 2020-08-20. Review status: criteria provided, single submitter. Criteria: Ambry Variant Classification Scheme 2023. Collection method: clinical testing. Allele origin: germline.
Comment: The p.E4590K variant (also known as c.13768G>A), located in coding exon 52 of the TTN gene, results from a G to A substitution at nucleotide position 13768. The glutamic acid at codon 4590 is replaced by lysine, an amino acid with similar properties. This variant (described as NM_133378.4:c.33259G>A p.E11087K) was detected in a cardiomyopathy genetic testing cohort; however, clinical details were limited, and additional cardiac variants were detected (van Lint FHM et al. Neth Heart J, 2019 Jun;27:304-309). This amino acid position is not well conserved in available vertebrate species. In addition, this alteration is predicted to be tolerated by in silico analysis. Since supporting evidence is limited at this time, the clinical significance of this alteration remains unclear.

Literature cited by the submitters: PubMed 30847666 (cited by Ambry Genetics).